The following is an entry in ClinVar:

NM_001363711.2(DUOX2):c.3647G>A (p.Arg1216Gln)

Gene: DUOX2 (dual oxidase 2; minus strand). Cytogenetic location: 15q21.1.
Variant type: single nucleotide variant.
Coding change: c.3647G>A on transcript NM_001363711.2 (MANE Select); coding-DNA position 3647, G replaced by A.
Protein change: p.Arg1216Gln; replaces arginine 1216 with glutamine.
Molecular consequence: missense variant.
Genome position (GRCh38, 1-based): chr15:45,097,660, C>T on the plus strand (G>A on the coding strand, the complement: DUOX2 is on the minus strand). VCF-style: chr15-45097660-C-T. GRCh37 (hg19) VCF-style: chr15-45389858-C-T.
Other names: c.3647G>A, p.Arg1216Gln (NM_014080.5); short protein forms R1216Q.
Identifiers: ClinVar variation 1404363 (VCV001404363.5), dbSNP rs573863782, ClinGen allele CA7537781.
Genomic context (GRCh38, chr15:45,097,660, plus strand): 5'-GGGAAGTCCCTCACCAGGGCATAGAGCAGGATGTAGAGGTGGTGGGTCAGCCAGAAGCCC[C>T]GGAAGCTGCGGCGGCGGAAGTGGTGGGAGGCGAAGACATACATGATGGCCAGGACCAGGA-3'
Protein context (NP_001350640.1, residues 1206-1226): ASHHFRRRSF[Arg1216Gln]GFWLTHHLYI

ClinVar aggregate classification (germline): Uncertain significance (1 of 4 stars; one submission).

Allele frequency attached by ClinVar (database versions not stated): TOPMed below 0.00001; ExAC 0.00001; gnomAD 0.00001; gnomAD exomes 0.00001 and 0.00002; 1000 Genomes Project 30x 0.00016; 1000 Genomes Project 0.00020.
gnomAD v4.1: 14 of 1,614,206 alleles (0.00087%); highest among the groups gnomAD compares: South Asian, 0.0055%; no homozygotes.

Submission:

Labcorp Genetics (formerly Invitae), Labcorp
Classification: Uncertain significance. Last evaluated: 2025-03-03. Review status: criteria provided, single submitter. Criteria: Invitae Variant Classification Sherloc (09022015). Collection method: clinical testing. Allele origin: germline.
Comment: This sequence change replaces arginine, which is basic and polar, with glutamine, which is neutral and polar, at codon 1216 of the DUOX2 protein (p.Arg1216Gln). This variant is present in population databases (rs573863782, gnomAD 0.003%). This variant has not been reported in the literature in individuals affected with DUOX2-related conditions. ClinVar contains an entry for this variant (Variation ID: 1404363). Invitae Evidence Modeling of protein sequence and biophysical properties (such as structural, functional, and spatial information, amino acid conservation, physicochemical variation, residue mobility, and thermodynamic stability) indicates that this missense variant is not expected to disrupt DUOX2 protein function with a negative predictive value of 80%. In summary, the available evidence is currently insufficient to determine the role of this variant in disease. Therefore, it has been classified as a Variant of Uncertain Significance.